The following is an entry in ClinVar:

ClinVar aggregate classification (germline): Uncertain significance (1 of 4 stars; one submission).

Conditions:
Hypertrophic cardiomyopathy 10. Also called: MYL2-Related Familial Hypertrophic Cardiomyopathy; CARDIOMYOPATHY, HYPERTROPHIC, MID-LEFT VENTRICULAR CHAMBER TYPE, 2. Identifiers: MedGen C1834460, MONDO:0012112, OMIM 608758.

Submission:

Labcorp Genetics (formerly Invitae), Labcorp
Classification: Uncertain significance for Hypertrophic cardiomyopathy 10. Last evaluated: 2023-03-13. Review status: criteria provided, single submitter. Criteria: Invitae Variant Classification Sherloc (09022015). Collection method: clinical testing. Allele origin: germline.
Comment: This variant is not present in population databases (gnomAD no frequency). This variant has not been reported in the literature in individuals affected with MYL2-related conditions. Variants that disrupt the consensus splice site are a relatively common cause of aberrant splicing (PMID: 17576681, 9536098). Algorithms developed to predict the effect of sequence changes on RNA splicing suggest that this variant may disrupt the consensus splice site. In summary, the available evidence is currently insufficient to determine the role of this variant in disease. Therefore, it has been classified as a Variant of Uncertain Significance. This sequence change falls in intron 1 of the MYL2 gene. It does not directly change the encoded amino acid sequence of the MYL2 protein. It affects a nucleotide within the consensus splice site.

Literature cited by the submitters: PubMed 17576681; PubMed 9536098.

NM_000432.4(MYL2):c.3+5G>C

Genes: MYL2 (myosin light chain 2; minus strand), LOC114827850 (VISTA enhancer hs2149; plus strand). Cytogenetic location: 12q24.11.
Variant type: single nucleotide variant.
Coding change: c.3+5G>C on transcript NM_000432.4 (MANE Select); 5 bases into the intron after coding-DNA position 3, G replaced by C.
Molecular consequence: intron variant.
Genome position (GRCh38, 1-based): chr12:110,920,522, C>G on the plus strand (G>C on the coding strand, the complement: MYL2 is on the minus strand). VCF-style: chr12-110920522-C-G. GRCh37 (hg19) VCF-style: chr12-111358326-C-G.
Other names: c.-55+867G>C (NM_001406916.1); c.3+5G>C (NM_001406745.1).
Identifiers: ClinVar variation 2796233 (VCV002796233.3), dbSNP rs2499816622, ClinGen allele CA2575293139.